The following is an entry in ClinVar:

NM_004329.3(BMPR1A):c.1087C>G (p.Leu363Val)

Gene: BMPR1A (bone morphogenetic protein receptor type 1A; plus strand). Cytogenetic location: 10q23.2.
Variant type: single nucleotide variant.
Coding change: c.1087C>G on transcript NM_004329.3 (MANE Select); coding-DNA position 1087, C replaced by G.
Protein change: p.Leu363Val; replaces leucine 363 with valine.
Molecular consequence: missense variant. On other transcripts: non-coding transcript variant (3).
Genome position (GRCh38, 1-based): chr10:86,919,390, C>G. VCF-style: chr10-86919390-C-G. GRCh37 (hg19) VCF-style: chr10-88679147-C-G.
Other names: c.1162C>G, p.Leu388Val (NM_001406559.1); c.1135C>G, p.Leu379Val (NM_001406560.1); c.1087C>G, p.Leu363Val (NM_001406561.1, NM_001406562.1, NM_001406582.1 and 19 more transcripts); c.1081C>G, p.Leu361Val (NM_001406583.1); c.1003C>G, p.Leu335Val (NM_001406584.1, NM_001406585.1, NM_001406586.1 and 2 more transcripts); c.745C>G, p.Leu249Val (NM_001406589.1); short protein forms L249V, L361V, L335V, L363V, L379V, L388V.
Identifiers: ClinVar variation 2763796 (VCV002763796.3), dbSNP rs2539622230, ClinGen allele CA377460821.

ClinVar aggregate classification (germline): Uncertain significance (1 of 4 stars; one submission).

Conditions:
Juvenile polyposis syndrome (JPS). Identifiers: Orphanet 2929, MedGen C0345893, MONDO:0017380, OMIM 174900.

Submission:

Labcorp Genetics (formerly Invitae), Labcorp
Classification: Uncertain significance for Juvenile polyposis syndrome. Last evaluated: 2024-07-11. Review status: criteria provided, single submitter. Criteria: Invitae Variant Classification Sherloc (09022015). Collection method: clinical testing. Allele origin: germline.
Comment: This sequence change replaces leucine, which is neutral and non-polar, with valine, which is neutral and non-polar, at codon 363 of the BMPR1A protein (p.Leu363Val). This variant is not present in population databases (gnomAD no frequency). This variant has not been reported in the literature in individuals affected with BMPR1A-related conditions. Advanced modeling of protein sequence and biophysical properties (such as structural, functional, and spatial information, amino acid conservation, physicochemical variation, residue mobility, and thermodynamic stability) has been performed at Invitae for this missense variant, however the output from this modeling did not meet the statistical confidence thresholds required to predict the impact of this variant on BMPR1A protein function. In summary, the available evidence is currently insufficient to determine the role of this variant in disease. Therefore, it has been classified as a Variant of Uncertain Significance.